The following is an entry in ClinVar:

ClinVar aggregate classification (germline): Uncertain significance (1 of 4 stars; one submission).

Conditions:
Familial cancer of breast. Also called: hereditary breast carcinoma; BREAST CANCER, FAMILIAL; Hereditary breast cancer. Identifiers: Orphanet 227535, MedGen C0346153, MONDO:0016419, OMIM 114480. Disease mechanism: loss of function.
Fanconi anemia complementation group J. Also called: BRIP1-Related Fanconi Anemia. Identifiers: Orphanet 84, MedGen C1836860, MONDO:0012187, OMIM 609054.

Submission:

Labcorp Genetics (formerly Invitae), Labcorp
Classification: Uncertain significance for Familial cancer of breast; Fanconi anemia complementation group J. Last evaluated: 2025-03-26. Review status: criteria provided, single submitter. Criteria: Invitae Variant Classification Sherloc (09022015). Collection method: clinical testing. Allele origin: germline.
Comment: This sequence change replaces glutamic acid, which is acidic and polar, with glutamine, which is neutral and polar, at codon 1178 of the BRIP1 protein (p.Glu1178Gln). This variant is not present in population databases (gnomAD no frequency). This variant has not been reported in the literature in individuals affected with BRIP1-related conditions. ClinVar contains an entry for this variant (Variation ID: 641679). Invitae Evidence Modeling of protein sequence and biophysical properties (such as structural, functional, and spatial information, amino acid conservation, physicochemical variation, residue mobility, and thermodynamic stability) indicates that this missense variant is not expected to disrupt BRIP1 protein function with a negative predictive value of 95%. In summary, the available evidence is currently insufficient to determine the role of this variant in disease. Therefore, it has been classified as a Variant of Uncertain Significance.

NM_032043.3(BRIP1):c.3532G>C (p.Glu1178Gln)

Gene: BRIP1 (BRCA1 interacting DNA helicase 1; minus strand). Cytogenetic location: 17q23.2.
Variant type: single nucleotide variant.
Coding change: c.3532G>C on transcript NM_032043.3 (MANE Select); coding-DNA position 3532, G replaced by C.
Protein change: p.Glu1178Gln; replaces glutamic acid 1178 with glutamine.
Molecular consequence: missense variant.
Genome position (GRCh38, 1-based): chr17:61,683,514, C>G on the plus strand (G>C on the coding strand, the complement: BRIP1 is on the minus strand). VCF-style: chr17-61683514-C-G. GRCh37 (hg19) VCF-style: chr17-59760875-C-G.
Other names: short protein forms E1178Q.
Identifiers: ClinVar variation 641679 (VCV000641679.9), dbSNP rs876661115, ClinGen allele CA400478386.